The following is an entry in ClinVar:

NM_000038.6(APC):c.6794A>T (p.Gln2265Leu)

Gene: APC (APC regulator of Wnt signaling pathway; plus strand). Cytogenetic location: 5q22.2.
Variant type: single nucleotide variant.
Coding change: c.6794A>T on transcript NM_000038.6 (MANE Select); coding-DNA position 6794, A replaced by T.
Protein change: p.Gln2265Leu; replaces glutamine 2265 with leucine.
Molecular consequence: missense variant.
Genome position (GRCh38, 1-based): chr5:112,842,388, A>T. VCF-style: chr5-112842388-A-T. GRCh37 (hg19) VCF-style: chr5-112178085-A-T.
Other names: c.6794A>T, p.Gln2265Leu (NM_001127510.3, NM_001354895.2); c.6740A>T, p.Gln2247Leu (NM_001127511.3); c.6848A>T, p.Gln2283Leu (NM_001354896.2); c.6824A>T, p.Gln2275Leu (NM_001354897.2); c.6719A>T, p.Gln2240Leu (NM_001354898.2); c.6710A>T, p.Gln2237Leu (NM_001354899.2); c.6671A>T, p.Gln2224Leu (NM_001354900.2); c.6617A>T, p.Gln2206Leu (NM_001354901.2); and 5 more; short protein forms Q2247L, Q2265L, Q2275L, Q2105L, Q2139L, Q2164L, Q2224L, Q2240L.
Identifiers: ClinVar variation 220514 (VCV000220514.11), dbSNP rs864622560, ClinGen allele CA350369.

ClinVar aggregate classification (germline): Uncertain significance. Review status: criteria provided, multiple submitters, no conflicts (2 of 4 stars). 2 submissions from 2 submitters: Uncertain significance (2). Last evaluated 2023-05-04.

Conditions:
Hereditary cancer-predisposing syndrome. Also called: Hereditary neoplastic syndrome; Tumor predisposition; Hereditary Cancer Syndrome; Neoplastic Syndromes, Hereditary. Identifiers: Orphanet 140162, MedGen C0027672, MeSH D009386, MONDO:0015356.
Familial adenomatous polyposis 1 (FAP1). Also called: FAMILIAL ADENOMATOUS POLYPOSIS 1, ATTENUATED; POLYPOSIS, ADENOMATOUS INTESTINAL. Identifiers: MedGen C2713442, MONDO:0021056, OMIM 175100. Disease mechanism: loss of function.

Allele frequency attached by ClinVar (database versions not stated): gnomAD 0.00001; TOPMed 0.00001.
gnomAD v4.1: 3 of 1,613,984 alleles (0.00019%); highest among the groups gnomAD compares: African/African-American, 0.0027%; no homozygotes.

Submissions (2):

Labcorp Genetics (formerly Invitae), Labcorp
Classification: Uncertain significance for Familial adenomatous polyposis 1. Last evaluated: 2023-05-04. Review status: criteria provided, single submitter. Criteria: Invitae Variant Classification Sherloc (09022015). Collection method: clinical testing. Allele origin: germline.
Comment: This sequence change replaces glutamine, which is neutral and polar, with leucine, which is neutral and non-polar, at codon 2265 of the APC protein (p.Gln2265Leu). This variant is not present in population databases (gnomAD no frequency). This variant has not been reported in the literature in individuals affected with APC-related conditions. In summary, the available evidence is currently insufficient to determine the role of this variant in disease. Therefore, it has been classified as a Variant of Uncertain Significance. Advanced modeling of protein sequence and biophysical properties (such as structural, functional, and spatial information, amino acid conservation, physicochemical variation, residue mobility, and thermodynamic stability) performed at Invitae indicates that this missense variant is not expected to disrupt APC protein function. ClinVar contains an entry for this variant (Variation ID: 220514).

Ambry Genetics
Classification: Uncertain significance for Hereditary cancer-predisposing syndrome. Last evaluated: 2020-10-09. Review status: criteria provided, single submitter. Criteria: Ambry Variant Classification Scheme 2023. Collection method: clinical testing. Allele origin: germline.
Comment: The p.Q2265L variant (also known as c.6794A>T), located in coding exon 15 of the APC gene, results from an A to T substitution at nucleotide position 6794. The glutamine at codon 2265 is replaced by leucine, an amino acid with dissimilar properties. This amino acid position is poorly conserved in available vertebrate species. In addition, in silico predictors for this gene do not accurately predict pathogenicity. Since supporting evidence is limited at this time, the clinical significance of this alteration remains unclear.